The following is an entry in ClinVar:

NM_002296.4(LBR):c.1456A>G (p.Met486Val)

Gene: LBR (lamin B receptor; minus strand). Cytogenetic location: 1q42.12.
Variant type: single nucleotide variant.
Coding change: c.1456A>G on transcript NM_002296.4 (MANE Select); coding-DNA position 1456, A replaced by G.
Protein change: p.Met486Val; replaces methionine 486 with valine.
Molecular consequence: missense variant.
Genome position (GRCh38, 1-based): chr1:225,406,691, T>C on the plus strand (A>G on the coding strand, the complement: LBR is on the minus strand). VCF-style: chr1-225406691-T-C. GRCh37 (hg19) VCF-style: chr1-225594393-T-C.
Other names: c.1456A>G, p.Met486Val (NM_194442.3); short protein forms M486V.
Identifiers: ClinVar variation 2178301 (VCV002178301.4), dbSNP rs778020291, ClinGen allele CA1417142.

ClinVar aggregate classification (germline): Uncertain significance (1 of 4 stars; one submission).

Allele frequency attached by ClinVar (database versions not stated): ExAC 0.00002; gnomAD 0.00005; TOPMed 0.00008.
gnomAD v4.1: 19 of 1,611,990 alleles (0.0012%); highest among the groups gnomAD compares: African/African-American, 0.013%; no homozygotes.

Submission:

Labcorp Genetics (formerly Invitae), Labcorp
Classification: Uncertain significance. Last evaluated: 2024-07-15. Review status: criteria provided, single submitter. Criteria: Invitae Variant Classification Sherloc (09022015). Collection method: clinical testing. Allele origin: germline.
Comment: This sequence change replaces methionine, which is neutral and non-polar, with valine, which is neutral and non-polar, at codon 486 of the LBR protein (p.Met486Val). This variant is present in population databases (rs778020291, gnomAD 0.02%). This variant has not been reported in the literature in individuals affected with LBR-related conditions. ClinVar contains an entry for this variant (Variation ID: 2178301). Advanced modeling of protein sequence and biophysical properties (such as structural, functional, and spatial information, amino acid conservation, physicochemical variation, residue mobility, and thermodynamic stability) performed at Invitae indicates that this missense variant is not expected to disrupt LBR protein function with a negative predictive value of 80%. In summary, the available evidence is currently insufficient to determine the role of this variant in disease. Therefore, it has been classified as a Variant of Uncertain Significance.